The following is an entry in ClinVar:

NM_001130438.3(SPTAN1):c.3482G>T (p.Gly1161Val)

Gene: SPTAN1 (spectrin alpha, non-erythrocytic 1; plus strand). Cytogenetic location: 9q34.11.
Variant type: single nucleotide variant.
Coding change: c.3482G>T on transcript NM_001130438.3 (MANE Select); coding-DNA position 3482, G replaced by T.
Protein change: p.Gly1161Val; replaces glycine 1161 with valine.
Molecular consequence: missense variant.
Genome position (GRCh38, 1-based): chr9:128,598,467, G>T. VCF-style: chr9-128598467-G-T. GRCh37 (hg19) VCF-style: chr9-131360746-G-T.
Other names: c.3422G>T, p.Gly1141Val (NM_001195532.2, NM_001363765.2); c.3482G>T, p.Gly1161Val (NM_001363759.2, NM_003127.4); short protein forms G1161V, G1141V.
Identifiers: ClinVar variation 411800 (VCV000411800.12), dbSNP rs1060503492, ClinGen allele CA16612614.

ClinVar aggregate classification (germline): Uncertain significance. Review status: criteria provided, multiple submitters, no conflicts (2 of 4 stars). 3 submissions from 3 submitters: Uncertain significance (3). Last evaluated 2021-07-15.

Conditions:
Early-infantile DEE. Also called: Ohtahara syndrome; Early infantile epileptic encephalopathy with suppression bursts; Early infantile epileptic encephalopathy. Identifiers: Orphanet 1934, MedGen C0393706, MONDO:0800491.
Developmental and epileptic encephalopathy, 5 (DEE5). Identifiers: Orphanet 3451, MedGen C3150731, MONDO:0013277, OMIM 613477.

Allele frequency attached by ClinVar (database versions not stated): gnomAD exomes below 0.00001 and 0.00001.
gnomAD v4.1: 3 of 1,613,030 alleles (0.00019%); highest among the groups gnomAD compares: Non-Finnish European, 0.00017%; no homozygotes.

Submissions (3):

Genome-Nilou Lab
Classification: Uncertain significance for Developmental and epileptic encephalopathy, 5. Last evaluated: 2021-07-15. Review status: criteria provided, single submitter. Criteria: ACMG Guidelines, 2015. Collection method: clinical testing. Allele origin: germline. Affected: no.

GeneDx
Classification: Uncertain significance. Last evaluated: 2020-01-02. Review status: criteria provided, single submitter. Criteria: GeneDx Variant Classification Process June 2021. Collection method: clinical testing. Allele origin: germline. Affected: yes.
Comment: In silico analysis, which includes protein predictors and evolutionary conservation, supports a deleterious effect; Missense variant in a gene in which most reported pathogenic variants are truncating/loss-of-function; Has not been previously published as pathogenic or benign to our knowledge

Labcorp Genetics (formerly Invitae), Labcorp
Classification: Uncertain significance for Early-infantile DEE. Last evaluated: 2016-05-26. Review status: criteria provided, single submitter. Criteria: Invitae Variant Classification Sherloc (09022015). Collection method: clinical testing. Allele origin: germline.
Comment: Algorithms developed to predict the effect of missense changes on protein structure and function (SIFT, PolyPhen-2, Align-GVGD) all suggest that this variant is likely to be disruptive, but these predictions have not been confirmed by published functional studies. This variant is not present in population databases (ExAC no frequency) and has not been reported in the literature in individuals with a SPTAN1-related disease. In summary, this variant is a novel missense change with uncertain impact on protein function. It has been classified as a Variant of Uncertain Significance. This sequence change replaces glycine with valine at codon 1161 of the SPTAN1 protein (p.Gly1161Val). The glycine residue is highly conserved and there is a moderate physicochemical difference between glycine and valine.